The following is an entry in ClinVar:

NM_020987.5(ANK3):c.9676A>G (p.Thr3226Ala)

Gene: ANK3 (ankyrin 3; minus strand). Cytogenetic location: 10q21.2.
Variant type: single nucleotide variant.
Coding change: c.9676A>G on transcript NM_020987.5 (MANE Select); coding-DNA position 9676, A replaced by G.
Protein change: p.Thr3226Ala; replaces threonine 3226 with alanine.
Molecular consequence: missense variant. On other transcripts: intron variant (4).
Genome position (GRCh38, 1-based): chr10:60,071,205, T>C on the plus strand (A>G on the coding strand, the complement: ANK3 is on the minus strand). VCF-style: chr10-60071205-T-C. GRCh37 (hg19) VCF-style: chr10-61830963-T-C.
Other names: c.4388-3196A>G (NM_001204403.2); c.4409-3196A>G (NM_001204404.2); c.4406-3196A>G (NM_001320874.2); c.1808-3196A>G (NM_001149.4); short protein forms T3226A.
Identifiers: ClinVar variation 3642156 (VCV003642156.2).
Genomic context (GRCh38, chr10:60,071,205, plus strand): 5'-TTTTGGGTCTTTGGTTAGAGTCTTTGCTCACGTCATTAGGCATTTCACGCTCAACTGCTG[T>C]TTCCTCCACTGTAGTCTGCTTAAGGGAGGTTGACTTGGCCTGTTCCTCCTCCTCTGACTC-3'
Protein context (NP_066267.2, residues 3216-3236): TSLKQTTVEE[Thr3226Ala]AVEREMPNDV

ClinVar aggregate classification (germline): Uncertain significance (1 of 4 stars; one submission).

gnomAD v4.1: 2 of 1,614,190 alleles (0.00012%); highest among the groups gnomAD compares: Non-Finnish European, 0.00017%; no homozygotes.

Submission:

Labcorp Genetics (formerly Invitae), Labcorp
Classification: Uncertain significance. Last evaluated: 2024-02-20. Review status: criteria provided, single submitter. Criteria: Invitae Variant Classification Sherloc (09022015). Collection method: clinical testing. Allele origin: germline.
Comment: This sequence change replaces threonine, which is neutral and polar, with alanine, which is neutral and non-polar, at codon 3226 of the ANK3 protein (p.Thr3226Ala). This variant is not present in population databases (gnomAD no frequency). This variant has not been reported in the literature in individuals affected with ANK3-related conditions. Algorithms developed to predict the effect of missense changes on protein structure and function output the following: SIFT: "Not Available"; PolyPhen-2: "Benign"; Align-GVGD: "Not Available". The alanine amino acid residue is found in multiple mammalian species, which suggests that this missense change does not adversely affect protein function. In summary, the available evidence is currently insufficient to determine the role of this variant in disease. Therefore, it has been classified as a Variant of Uncertain Significance.